The following is an entry in ClinVar:

NM_000238.4(KCNH2):c.2789G>T (p.Ser930Ile)

Gene: KCNH2 (potassium voltage-gated channel subfamily H member 2; minus strand). Cytogenetic location: 7q36.1.
Variant type: single nucleotide variant.
Coding change: c.2789G>T on transcript NM_000238.4 (MANE Select); coding-DNA position 2789, G replaced by T.
Protein change: p.Ser930Ile; replaces serine 930 with isoleucine.
Molecular consequence: missense variant.
Genome position (GRCh38, 1-based): chr7:150,947,782, C>A on the plus strand (G>T on the coding strand, the complement: KCNH2 is on the minus strand). VCF-style: chr7-150947782-C-A. GRCh37 (hg19) VCF-style: chr7-150644870-C-A.
Other names: c.2501G>T, p.Ser834Ile (NM_001406753.1); c.1769G>T, p.Ser590Ile (NM_172057.3); short protein forms S834I, S930I, S590I.
Identifiers: ClinVar variation 2172697 (VCV002172697.5), dbSNP rs2116933047, ClinGen allele CA369853401.

ClinVar aggregate classification (germline): Uncertain significance. Review status: criteria provided, multiple submitters, no conflicts (2 of 4 stars). 2 submissions from 2 submitters: Uncertain significance (2). Last evaluated 2026-07-07.

Conditions:
Cardiovascular phenotype. Identifiers: MedGen CN230736.
Long QT syndrome (LQTS). Identifiers: MedGen C0023976, MeSH D008133, MONDO:0002442. Disease mechanism: loss of function. Inheritance: Various modes of inheritance.

Submissions (2):

Ambry Genetics
Classification: Uncertain significance for Cardiovascular phenotype. Last evaluated: 2026-07-07. Review status: criteria provided, single submitter. Criteria: Ambry Variant Classification Scheme 2023. Collection method: clinical testing. Allele origin: germline.
Comment: The p.S930I variant (also known as c.2789G>T), located in coding exon 12 of the KCNH2 gene, results from a G to T substitution at nucleotide position 2789. The serine at codon 930 is replaced by isoleucine, an amino acid with dissimilar properties. This amino acid position is conserved. In addition, this alteration is predicted to be deleterious by in silico analysis. Based on the available evidence, the clinical significance of this variant remains unclear.

Labcorp Genetics (formerly Invitae), Labcorp
Classification: Uncertain significance for Long QT syndrome. Last evaluated: 2022-03-31. Review status: criteria provided, single submitter. Criteria: Invitae Variant Classification Sherloc (09022015). Collection method: clinical testing. Allele origin: germline.
Comment: In summary, the available evidence is currently insufficient to determine the role of this variant in disease. Therefore, it has been classified as a Variant of Uncertain Significance. This sequence change replaces serine, which is neutral and polar, with isoleucine, which is neutral and non-polar, at codon 930 of the KCNH2 protein (p.Ser930Ile). This variant is not present in population databases (gnomAD no frequency). This variant has not been reported in the literature in individuals affected with KCNH2-related conditions. Algorithms developed to predict the effect of missense changes on protein structure and function (SIFT, PolyPhen-2, Align-GVGD) all suggest that this variant is likely to be tolerated.